The following is an entry in ClinVar:

ClinVar aggregate classification (germline): Uncertain significance (1 of 4 stars; one submission).

Allele frequency attached by ClinVar (database versions not stated): gnomAD 0.00001; gnomAD exomes 0.00002; TOPMed 0.00002.
gnomAD v4.1: 23 of 1,601,056 alleles (0.0014%); highest among the groups gnomAD compares: Non-Finnish European, 0.0019%; no homozygotes.

Submission:

Labcorp Genetics (formerly Invitae), Labcorp
Classification: Uncertain significance. Last evaluated: 2022-12-02. Review status: criteria provided, single submitter. Criteria: Invitae Variant Classification Sherloc (09022015). Collection method: clinical testing. Allele origin: germline.
Comment: In summary, the available evidence is currently insufficient to determine the role of this variant in disease. Therefore, it has been classified as a Variant of Uncertain Significance. Experimental studies and prediction algorithms are not available or were not evaluated, and the functional significance of this variant is currently unknown. ClinVar contains an entry for this variant (Variation ID: 1366273). This variant has not been reported in the literature in individuals affected with HTT-related conditions. The frequency data for this variant in the population databases is considered unreliable, as metrics indicate poor data quality at this position in the gnomAD database. This sequence change replaces arginine, which is basic and polar, with tryptophan, which is neutral and slightly polar, at codon 3130 of the HTT protein (p.Arg3130Trp).

NM_001388492.1(HTT):c.9382C>T (p.Arg3128Trp)

Gene: HTT (huntingtin; plus strand). Cytogenetic location: 4p16.3.
Variant type: single nucleotide variant.
Coding change: c.9382C>T on transcript NM_001388492.1 (MANE Select); coding-DNA position 9382, C replaced by T.
Protein change: p.Arg3128Trp; replaces arginine 3128 with tryptophan.
Molecular consequence: missense variant.
Genome position (GRCh38, 1-based): chr4:3,240,012, C>T. VCF-style: chr4-3240012-C-T. GRCh37 (hg19) VCF-style: chr4-3241739-C-T.
Other names: c.9388C>T, p.Arg3130Trp (NM_002111.8); short protein forms R3128W, R3130W.
Identifiers: ClinVar variation 1366273 (VCV001366273.6), dbSNP rs769006451, ClinGen allele CA2825960.